The following is an entry in ClinVar:

ClinVar aggregate classification (germline): Uncertain significance (1 of 4 stars; one submission).

Conditions:
Danon disease. Also called: Glycogen Storage Disease Type IIb; ANTOPOL DISEASE; PSEUDOGLYCOGENOSIS II; GSD IIb; LYSOSOMAL GLYCOGEN STORAGE DISEASE WITHOUT ACID MALTASE DEFICIENCY. Identifiers: Orphanet 34587, MedGen C0878677, MONDO:0010281, OMIM 300257.

Submission:

Labcorp Genetics (formerly Invitae), Labcorp
Classification: Uncertain significance for Danon disease. Last evaluated: 2024-10-17. Review status: criteria provided, single submitter. Criteria: Invitae Variant Classification Sherloc (09022015). Collection method: clinical testing. Allele origin: germline.
Comment: This sequence change replaces threonine, which is neutral and polar, with serine, which is neutral and polar, at codon 194 of the LAMP2 protein (p.Thr194Ser). This variant is not present in population databases (gnomAD no frequency). This variant has not been reported in the literature in individuals affected with LAMP2-related conditions. Invitae Evidence Modeling of protein sequence and biophysical properties (such as structural, functional, and spatial information, amino acid conservation, physicochemical variation, residue mobility, and thermodynamic stability) indicates that this missense variant is not expected to disrupt LAMP2 protein function with a negative predictive value of 80%. In summary, the available evidence is currently insufficient to determine the role of this variant in disease. Therefore, it has been classified as a Variant of Uncertain Significance.

NM_002294.3(LAMP2):c.581C>G (p.Thr194Ser)

Gene: LAMP2 (lysosome associated membrane protein 2; minus strand). Cytogenetic location: Xq24.
Variant type: single nucleotide variant.
Coding change: c.581C>G on transcript NM_002294.3 (MANE Select); coding-DNA position 581, C replaced by G.
Protein change: p.Thr194Ser; replaces threonine 194 with serine.
Molecular consequence: missense variant.
Genome position (GRCh38, 1-based): chrX:120,448,001, G>C on the plus strand (C>G on the coding strand, the complement: LAMP2 is on the minus strand). VCF-style: chrX-120448001-G-C. GRCh37 (hg19) VCF-style: chrX-119581856-G-C.
Other names: c.581C>G, p.Thr194Ser (NM_001122606.1, NM_013995.2); short protein forms T194S.
Identifiers: ClinVar variation 2839697 (VCV002839697.3), dbSNP rs1033442580, ClinGen allele CA414401690.